The following is an entry in ClinVar:

ClinVar aggregate classification (germline): Likely benign (1 of 4 stars; one submission).

Submission:

CeGaT Center for Human Genetics Tuebingen
Classification: Likely benign. Last evaluated: 2026-05-01. Review status: criteria provided, single submitter. Criteria: CeGaT Center For Human Genetics Tuebingen Variant Classification Criteria Version 2. Collection method: clinical testing. Allele origin: germline. Affected: yes. Observed: 2 variant alleles.
Comment: NOTCH3: PM2:Supporting, BP4, BP7

NM_000435.3(NOTCH3):c.789T>A (p.Pro263=)

Gene: NOTCH3 (notch receptor 3; minus strand). Cytogenetic location: 19p13.12.
Variant type: single nucleotide variant.
Coding change: c.789T>A on transcript NM_000435.3 (MANE Select); coding-DNA position 789, T replaced by A.
Protein change: p.Pro263=; no amino-acid change (proline 263 retained).
Molecular consequence: synonymous variant.
Genome position (GRCh38, 1-based): chr19:15,191,758, A>T on the plus strand (T>A on the coding strand, the complement: NOTCH3 is on the minus strand). VCF-style: chr19-15191758-A-T. GRCh37 (hg19) VCF-style: chr19-15302569-A-T.
Identifiers: ClinVar variation 4873108 (VCV004873108.2).